The following is an entry in ClinVar:

ClinVar aggregate classification (germline): Uncertain significance. Review status: criteria provided, multiple submitters, no conflicts (2 of 4 stars). 2 submissions from 2 submitters: Uncertain significance (2). Last evaluated 2022-09-26.

Conditions:
Inborn genetic diseases. Identifiers: MedGen C0950123, MeSH D030342.
Autosomal dominant polycystic kidney disease. Identifiers: Orphanet 730, MedGen C0085413, MONDO:0004691.

Allele frequency attached by ClinVar (database versions not stated): gnomAD exomes 0.00001.
gnomAD v4.1: 1 of 1,172,000 alleles (0.000085%); highest among the groups gnomAD compares: Non-Finnish European, 0.00011%; no homozygotes.

Submissions (2):

Labcorp Genetics (formerly Invitae), Labcorp
Classification: Uncertain significance for Autosomal dominant polycystic kidney disease. Last evaluated: 2022-09-26. Review status: criteria provided, single submitter. Criteria: Invitae Variant Classification Sherloc (09022015). Collection method: clinical testing. Allele origin: germline.
Comment: This sequence change replaces arginine, which is basic and polar, with tryptophan, which is neutral and slightly polar, at codon 28 of the PKD2 protein (p.Arg28Trp). The frequency data for this variant in the population databases is considered unreliable, as metrics indicate insufficient coverage at this position in the gnomAD database. This variant has not been reported in the literature in individuals affected with PKD2-related conditions. Algorithms developed to predict the effect of missense changes on protein structure and function are either unavailable or do not agree on the potential impact of this missense change (SIFT: "Deleterious"; PolyPhen-2: "Probably Damaging"; Align-GVGD: "Class C0"). In summary, the available evidence is currently insufficient to determine the role of this variant in disease. Therefore, it has been classified as a Variant of Uncertain Significance.

Ambry Genetics
Classification: Uncertain significance for Inborn genetic diseases. Last evaluated: 2022-04-06. Review status: criteria provided, single submitter. Criteria: Ambry Variant Classification Scheme 2023. Collection method: clinical testing. Allele origin: germline.

NM_000297.4(PKD2):c.82C>T (p.Arg28Trp)

Genes: PKD2 (polycystin 2, transient receptor potential cation channel; plus strand), LOC129992813 (ATAC-STARR-seq lymphoblastoid silent region 15559; plus strand). Cytogenetic location: 4q22.1.
Variant type: single nucleotide variant.
Coding change: c.82C>T on transcript NM_000297.4 (MANE Select); coding-DNA position 82, C replaced by T.
Protein change: p.Arg28Trp; replaces arginine 28 with tryptophan.
Molecular consequence: missense variant. On other transcripts: non-coding transcript variant (1).
Genome position (GRCh38, 1-based): chr4:88,007,815, C>T. VCF-style: chr4-88007815-C-T. GRCh37 (hg19) VCF-style: chr4-88928967-C-T.
Other names: short protein forms R28W.
Identifiers: ClinVar variation 1896163 (VCV001896163.6), dbSNP rs2476356645, ClinGen allele CA357625069.